The following is an entry in ClinVar:

ClinVar aggregate classification (germline): Uncertain significance. Review status: criteria provided, multiple submitters, no conflicts (2 of 4 stars). 2 submissions from 2 submitters: Uncertain significance (2). Last evaluated 2023-07-30.

Conditions:
Inborn genetic diseases. Identifiers: MedGen C0950123, MeSH D030342.

Allele frequency attached by ClinVar (database versions not stated): gnomAD 0.00001; ExAC 0.00002; TOPMed 0.00004; gnomAD exomes 0.00005.
gnomAD v4.1: 67 of 1,593,164 alleles (0.0042%); highest among the groups gnomAD compares: Non-Finnish European, 0.005%; no homozygotes.

Submissions (2):

Ambry Genetics
Classification: Uncertain significance for Inborn genetic diseases. Last evaluated: 2023-07-30. Review status: criteria provided, single submitter. Criteria: Ambry Variant Classification Scheme 2023. Collection method: clinical testing. Allele origin: germline.

Labcorp Genetics (formerly Invitae), Labcorp
Classification: Uncertain significance. Last evaluated: 2022-05-24. Review status: criteria provided, single submitter. Criteria: Invitae Variant Classification Sherloc (09022015). Collection method: clinical testing. Allele origin: germline.
Comment: This sequence change replaces alanine, which is neutral and non-polar, with threonine, which is neutral and polar, at codon 1247 of the CCDC88C protein (p.Ala1247Thr). The frequency data for this variant in the population databases is considered unreliable, as metrics indicate poor data quality at this position in the gnomAD database. This variant has not been reported in the literature in individuals affected with CCDC88C-related conditions. Algorithms developed to predict the effect of missense changes on protein structure and function output the following: SIFT: "Tolerated"; PolyPhen-2: "Benign"; Align-GVGD: "Class C0". The threonine amino acid residue is found in multiple mammalian species, which suggests that this missense change does not adversely affect protein function. In summary, the available evidence is currently insufficient to determine the role of this variant in disease. Therefore, it has been classified as a Variant of Uncertain Significance.

NM_001080414.4(CCDC88C):c.3739G>A (p.Ala1247Thr)

Gene: CCDC88C (coiled-coil domain containing 88C; minus strand). Cytogenetic location: 14q32.11.
Variant type: single nucleotide variant.
Coding change: c.3739G>A on transcript NM_001080414.4 (MANE Select); coding-DNA position 3739, G replaced by A.
Protein change: p.Ala1247Thr; replaces alanine 1247 with threonine.
Molecular consequence: missense variant.
Genome position (GRCh38, 1-based): chr14:91,299,967, C>T on the plus strand (G>A on the coding strand, the complement: CCDC88C is on the minus strand). VCF-style: chr14-91299967-C-T. GRCh37 (hg19) VCF-style: chr14-91766311-C-T.
Other names: c.3739G>A (NM_001080414.3); short protein forms A1247T.
Identifiers: ClinVar variation 1912368 (VCV001912368.4), dbSNP rs781474691, ClinGen allele CA7309231.
Genomic context (GRCh38, chr14:91,299,967, plus strand): 5'-GGCCGGGCGCCGGCGCTCACCTGTCCAGCTCGCCCCGCAGCCTCTGGTTCTCGCCCATGG[C>T]GAGGGCGTTTGTCCTCTGCTCCTGCTGCAGCGCCTCTCGCTCAGTGGTCAAGACCTTCTC-3'
Protein context (NP_001073883.2, residues 1237-1257): LQQEQRTNAL[Ala1247Thr]MGENQRLRGE